The following is an entry in ClinVar:

ClinVar aggregate classification (germline): Uncertain significance (1 of 4 stars; one submission).

Conditions:
Peroxisome biogenesis disorder. Identifiers: Orphanet 79189, MedGen C1832200, MONDO:0019234. Disease mechanism: loss of function.

gnomAD v4.1: 1 of 1,614,056 alleles (0.000062%); highest among the groups gnomAD compares: Admixed American, 0.0017%; no homozygotes.

Submission:

Labcorp Genetics (formerly Invitae), Labcorp
Classification: Uncertain significance for Peroxisome biogenesis disorder. Last evaluated: 2024-01-02. Review status: criteria provided, single submitter. Criteria: Invitae Variant Classification Sherloc (09022015). Collection method: clinical testing. Allele origin: germline.
Comment: This sequence change replaces valine, which is neutral and non-polar, with leucine, which is neutral and non-polar, at codon 359 of the PEX6 protein (p.Val359Leu). This variant is not present in population databases (gnomAD no frequency). This variant has not been reported in the literature in individuals affected with PEX6-related conditions. ClinVar contains an entry for this variant (Variation ID: 1378905). Advanced modeling of protein sequence and biophysical properties (such as structural, functional, and spatial information, amino acid conservation, physicochemical variation, residue mobility, and thermodynamic stability) performed at Invitae indicates that this missense variant is not expected to disrupt PEX6 protein function with a negative predictive value of 95%. In summary, the available evidence is currently insufficient to determine the role of this variant in disease. Therefore, it has been classified as a Variant of Uncertain Significance.

NM_000287.4(PEX6):c.1075G>C (p.Val359Leu)

Gene: PEX6 (peroxisomal biogenesis factor 6; minus strand). Cytogenetic location: 6p21.1.
Variant type: single nucleotide variant.
Coding change: c.1075G>C on transcript NM_000287.4 (MANE Select); coding-DNA position 1075, G replaced by C.
Protein change: p.Val359Leu; replaces valine 359 with leucine.
Molecular consequence: missense variant. On other transcripts: non-coding transcript variant (1).
Genome position (GRCh38, 1-based): chr6:42,974,058, C>G on the plus strand (G>C on the coding strand, the complement: PEX6 is on the minus strand). VCF-style: chr6-42974058-C-G. GRCh37 (hg19) VCF-style: chr6-42941796-C-G.
Other names: c.811G>C, p.Val271Leu (NM_001316313.2); short protein forms V359L, V271L.
Identifiers: ClinVar variation 1378905 (VCV001378905.5), dbSNP rs2150234968, ClinGen allele CA364158384.